The following is an entry in ClinVar:

ClinVar aggregate classification (germline): Uncertain significance (1 of 4 stars; one submission).

Conditions:
Familial cold autoinflammatory syndrome 3 (FCAS3). Also called: FAMILIAL ATYPICAL COLD URTICARIA; ANTIBODY DEFICIENCY AND IMMUNE DYSREGULATION, PLCG2-ASSOCIATED. Identifiers: Orphanet 300359, MedGen C3280914, MONDO:0013766, OMIM 614468.

Submission:

Labcorp Genetics (formerly Invitae), Labcorp
Classification: Uncertain significance for Familial cold autoinflammatory syndrome 3. Last evaluated: 2025-06-29. Review status: criteria provided, single submitter. Criteria: Invitae Variant Classification Sherloc (09022015). Collection method: clinical testing. Allele origin: germline.
Comment: This sequence change replaces aspartic acid, which is acidic and polar, with glutamic acid, which is acidic and polar, at codon 1218 of the PLCG2 protein (p.Asp1218Glu). This variant is not present in population databases (gnomAD no frequency). This variant has not been reported in the literature in individuals affected with PLCG2-related conditions. ClinVar contains an entry for this variant (Variation ID: 3683561). An algorithm developed to predict the effect of missense changes on protein structure and function (PolyPhen-2) suggests that this variant is likely to be tolerated. In summary, the available evidence is currently insufficient to determine the role of this variant in disease. Therefore, it has been classified as a Variant of Uncertain Significance.

NM_002661.5(PLCG2):c.3654C>G (p.Asp1218Glu)

Gene: PLCG2 (phospholipase C gamma 2; plus strand). Cytogenetic location: 16q23.3.
Variant type: single nucleotide variant.
Coding change: c.3654C>G on transcript NM_002661.5 (MANE Select); coding-DNA position 3654, C replaced by G.
Protein change: p.Asp1218Glu; replaces aspartic acid 1218 with glutamic acid.
Molecular consequence: missense variant.
Genome position (GRCh38, 1-based): chr16:81,956,778, C>G. VCF-style: chr16-81956778-C-G. GRCh37 (hg19) VCF-style: chr16-81990383-C-G.
Other names: c.3654C>G, p.Asp1218Glu (NM_001425750.1, NM_001425751.1, NM_001425749.1); short protein forms D1218E.
Identifiers: ClinVar variation 3683561 (VCV003683561.2).